The following is an entry in ClinVar:

ClinVar aggregate classification (germline): Uncertain significance (1 of 4 stars; one submission).

Submission:

Labcorp Genetics (formerly Invitae), Labcorp
Classification: Uncertain significance. Last evaluated: 2024-10-26. Review status: criteria provided, single submitter. Criteria: Invitae Variant Classification Sherloc (09022015). Collection method: clinical testing. Allele origin: germline.
Comment: This sequence change replaces methionine, which is neutral and non-polar, with isoleucine, which is neutral and non-polar, at codon 511 of the HK1 protein (p.Met511Ile). This variant is not present in population databases (gnomAD no frequency). This variant has not been reported in the literature in individuals affected with HK1-related conditions. ClinVar contains an entry for this variant (Variation ID: 1512631). Invitae Evidence Modeling of protein sequence and biophysical properties (such as structural, functional, and spatial information, amino acid conservation, physicochemical variation, residue mobility, and thermodynamic stability) indicates that this missense variant is expected to disrupt HK1 protein function with a positive predictive value of 80%. In summary, the available evidence is currently insufficient to determine the role of this variant in disease. Therefore, it has been classified as a Variant of Uncertain Significance.

NM_000188.3(HK1):c.1533G>A (p.Met511Ile)

Gene: HK1 (hexokinase 1; plus strand). Cytogenetic location: 10q22.1.
Variant type: single nucleotide variant.
Coding change: c.1533G>A on transcript NM_000188.3 (MANE Select); coding-DNA position 1533, G replaced by A.
Protein change: p.Met511Ile; replaces methionine 511 with isoleucine.
Molecular consequence: missense variant.
Genome position (GRCh38, 1-based): chr10:69,382,754, G>A. VCF-style: chr10-69382754-G-A. GRCh37 (hg19) VCF-style: chr10-71142510-G-A.
Other names: c.1449G>A, p.Met483Ile (NM_001322366.1); c.1437G>A, p.Met479Ile (NM_001322367.1); c.1545G>A, p.Met515Ile (NM_001358263.1, NM_033497.3, NM_033498.3 and 1 more transcripts); c.1530G>A, p.Met510Ile (NM_033496.3); c.1497G>A, p.Met499Ile (NM_033500.2); c.1638G>A, p.Met546Ile (NM_001322365.2); short protein forms M479I, M510I, M511I, M499I, M515I, M546I, M483I.
Identifiers: ClinVar variation 1512631 (VCV001512631.8), dbSNP rs2132886049, ClinGen allele CA376910249.
Genomic context (GRCh38, chr10:69,382,754, plus strand): 5'-GCGGGCCGAGATGGAGCTGGGGCTGAGGAAGCAGACGCACAACAATGCCGTGGTTAAGAT[G>A]CTGCCCTCCTTCGTCCGGAGAACTCCCGACGGGACCGGTGAGGGCCTGCTGGGGGCTGAC-3'
Protein context (NP_000179.2, residues 501-521): KQTHNNAVVK[Met511Ile]LPSFVRRTPD